The following is an entry in ClinVar:

NM_001242896.3(DEPDC5):c.483+1G>A

Gene: DEPDC5 (DEP domain containing 5, GATOR1 subcomplex subunit; plus strand). Cytogenetic location: 22q12.2.
Variant type: single nucleotide variant.
Coding change: c.483+1G>A on transcript NM_001242896.3 (MANE Select); the canonical splice donor site of the intron after coding-DNA position 483, G replaced by A.
Molecular consequence: splice donor variant.
Genome position (GRCh38, 1-based): chr22:31,778,169, G>A. VCF-style: chr22-31778169-G-A. GRCh37 (hg19) VCF-style: chr22-32174155-G-A.
Other names: c.483+1G>A (NM_001364318.2, NM_001136029.4, NM_014662.6 and 7 more transcripts); c.399+1G>A (NM_001369902.1, NM_001369901.1).
Identifiers: ClinVar variation 856861 (VCV000856861.8), dbSNP rs2084070588, ClinGen allele CA411284590.

ClinVar aggregate classification (germline): Likely pathogenic (1 of 4 stars; one submission).

Conditions:
Familial focal epilepsy with variable foci (FPEVF). Identifiers: Orphanet 98820, MedGen C1858477, MONDO:0020310.

Submission:

Labcorp Genetics (formerly Invitae), Labcorp
Classification: Likely pathogenic for Familial focal epilepsy with variable foci. Last evaluated: 2023-12-25. Review status: criteria provided, single submitter. Criteria: Invitae Variant Classification Sherloc (09022015). Collection method: clinical testing. Allele origin: germline.
Comment: This sequence change affects a donor splice site in intron 8 of the DEPDC5 gene. It is expected to disrupt RNA splicing. Variants that disrupt the donor or acceptor splice site typically lead to a loss of protein function (PMID: 16199547), and loss-of-function variants in DEPDC5 are known to be pathogenic (PMID: 23542697, 23542701). This variant is not present in population databases (gnomAD no frequency). This variant has not been reported in the literature in individuals affected with DEPDC5-related conditions. ClinVar contains an entry for this variant (Variation ID: 856861). Algorithms developed to predict the effect of sequence changes on RNA splicing suggest that this variant may disrupt the consensus splice site. In summary, the currently available evidence indicates that the variant is pathogenic, but additional data are needed to prove that conclusively. Therefore, this variant has been classified as Likely Pathogenic.

Literature cited by the submitters: PubMed 16199547; PubMed 23542697; PubMed 23542701.